The following is an entry in ClinVar:

ClinVar aggregate classification (germline): Likely benign. Review status: criteria provided, multiple submitters, no conflicts (2 of 4 stars). 2 submissions from 2 submitters: Likely benign (2). Last evaluated 2024-05-15.

Conditions:
Breast-ovarian cancer, familial, susceptibility to, 2 (BROVCA2). Also called: BRCA2 Hereditary Breast and Ovarian Cancer. Identifiers: Orphanet 145, MedGen C2675520, MONDO:0012933, OMIM 612555. Disease mechanism: loss of function.
Hereditary cancer-predisposing syndrome. Also called: Hereditary neoplastic syndrome; Neoplastic Syndromes, Hereditary; Tumor predisposition; Hereditary Cancer Syndrome. Identifiers: Orphanet 140162, MedGen C0027672, MeSH D009386, MONDO:0015356.

Submissions (2):

Ambry Genetics
Classification: Likely benign for Hereditary cancer-predisposing syndrome. Last evaluated: 2024-05-15. Review status: criteria provided, single submitter. Criteria: Ambry Variant Classification Scheme 2023. Collection method: clinical testing. Allele origin: germline.

All of Us Research Program, National Institutes of Health
Classification: Likely benign for Breast-ovarian cancer, familial, susceptibility to, 2. Last evaluated: 2023-11-02. Review status: criteria provided, single submitter. Criteria: ACMG Guidelines, 2015. Collection method: clinical testing. Allele origin: germline. Inheritance: Autosomal dominant inheritance. Observed: 2 variant alleles, 2 heterozygotes.
Comment: This study involves interpretation of variants in research participants for the purpose of population health screening. Participant phenotype was not available at the time of variant classification. Additional details can be found in publication PMID: 35346344, PMCID: PMC8962531

NM_000059.4(BRCA2):c.8340T>G (p.Ala2780=)

Gene: BRCA2 (BRCA2 DNA repair associated; plus strand). Cytogenetic location: 13q13.1.
Variant type: single nucleotide variant.
Coding change: c.8340T>G on transcript NM_000059.4 (MANE Select); coding-DNA position 8340, T replaced by G.
Protein change: p.Ala2780=; no amino-acid change (alanine 2780 retained).
Molecular consequence: synonymous variant. On other transcripts: non-coding transcript variant (1).
Genome position (GRCh38, 1-based): chr13:32,370,410, T>G. VCF-style: chr13-32370410-T-G. GRCh37 (hg19) VCF-style: chr13-32944547-T-G.
Other names: c.8244T>G, p.Ala2748= (NM_001406719.1); c.8340T>G, p.Ala2780= (NM_001406720.1); c.3408T>G, p.Ala1136= (NM_001406721.1); c.1923T>G, p.Ala641= (NM_001406722.1).
Identifiers: ClinVar variation 3073424 (VCV003073424.2), dbSNP rs2072818521, ClinGen allele CA483261169.